The following is an entry in ClinVar:

NM_001430.5(EPAS1):c.2155T>C (p.Phe719Leu)

Gene: EPAS1 (endothelial PAS domain protein 1; plus strand). Cytogenetic location: 2p21.
Variant type: single nucleotide variant.
Coding change: c.2155T>C on transcript NM_001430.5 (MANE Select); coding-DNA position 2155, T replaced by C.
Protein change: p.Phe719Leu; replaces phenylalanine 719 with leucine.
Molecular consequence: missense variant.
Genome position (GRCh38, 1-based): chr2:46,381,705, T>C. VCF-style: chr2-46381705-T-C. GRCh37 (hg19) VCF-style: chr2-46608844-T-C.
Other names: short protein forms F719L.
Identifiers: ClinVar variation 2497560 (VCV002497560.2), dbSNP rs1365461253, ClinGen allele CA346705646.

ClinVar aggregate classification (germline): Uncertain significance (1 of 4 stars; one submission).

Conditions:
Inborn genetic diseases. Identifiers: MedGen C0950123, MeSH D030342.

Allele frequency attached by ClinVar (database versions not stated): gnomAD exomes below 0.00001.
gnomAD v4.1: 2 of 1,613,888 alleles (0.00012%); highest among the groups gnomAD compares: Admixed American, 0.0033%; no homozygotes.

Submission:

Ambry Genetics
Classification: Uncertain significance for Inborn genetic diseases. Last evaluated: 2022-11-15. Review status: criteria provided, single submitter. Criteria: Ambry Variant Classification Scheme 2023. Collection method: clinical testing. Allele origin: germline.
Comment: The p.F719L variant (also known as c.2155T>C), located in coding exon 13 of the EPAS1 gene, results from a T to C substitution at nucleotide position 2155. The phenylalanine at codon 719 is replaced by leucine, an amino acid with highly similar properties. This amino acid position is conserved. In addition, this alteration is predicted to be tolerated by in silico analysis. Since supporting evidence is limited at this time, the clinical significance of this alteration remains unclear.